The following is an entry in ClinVar:

ClinVar aggregate classification (germline): Uncertain significance. Review status: criteria provided, multiple submitters, no conflicts (2 of 4 stars). 3 submissions from 3 submitters: Uncertain significance (3). Last evaluated 2023-12-26.

Conditions:
Episodic ataxia, type 9. Identifiers: MedGen C5394520, MONDO:0030064, OMIM 618924.
Inborn genetic diseases. Identifiers: MedGen C0950123, MeSH D030342.

Allele frequency attached by ClinVar (database versions not stated): ExAC 0.00001; TOPMed 0.00001.

Submissions (3):

Ambry Genetics
Classification: Uncertain significance for Inborn genetic diseases. Last evaluated: 2023-12-26. Review status: criteria provided, single submitter. Criteria: Ambry Variant Classification Scheme 2023. Collection method: clinical testing. Allele origin: germline.

GeneDx
Classification: Uncertain significance. Last evaluated: 2022-04-18. Review status: criteria provided, single submitter. Criteria: GeneDx Variant Classification Process June 2021. Collection method: clinical testing. Allele origin: germline. Affected: yes.
Comment: In silico analysis supports that this missense variant has a deleterious effect on protein structure/function; Missense variants in this gene are often considered pathogenic (HGMD); Observed in at least one heterozygous clinically unaffected adult relative of an individual referred for genetic testing at GeneDx; This substitution is predicted to be in the cytoplasmic loop between the first and second homologous domains; Has not been previously published as pathogenic or benign to our knowledge

MGZ Medical Genetics Center
Classification: Uncertain significance for Episodic ataxia, type 9. Last evaluated: 2021-10-22. Review status: criteria provided, single submitter. Criteria: ACMG Guidelines, 2015. Collection method: clinical testing. Allele origin: germline. Affected: yes. Observed: 1 variant allele.
Comment: ACMG criteria applied: PM1_SUP, PM2_SUP, PM5_SUP, PP2, PP3

NM_001040142.2(SCN2A):c.1303A>G (p.Thr435Ala)

Gene: SCN2A (sodium voltage-gated channel alpha subunit 2; plus strand). Cytogenetic location: 2q24.3.
Variant type: single nucleotide variant.
Coding change: c.1303A>G on transcript NM_001040142.2 (MANE Select); coding-DNA position 1303, A replaced by G.
Protein change: p.Thr435Ala; replaces threonine 435 with alanine.
Molecular consequence: missense variant.
Genome position (GRCh38, 1-based): chr2:165,314,028, A>G. VCF-style: chr2-165314028-A-G. GRCh37 (hg19) VCF-style: chr2-166170538-A-G.
Other names: c.1303A>G, p.Thr435Ala (NM_001040143.2, NM_001371246.1, NM_001371247.1 and 1 more transcripts); short protein forms T435A.
Identifiers: ClinVar variation 1707875 (VCV001707875.5), dbSNP rs754066892, ClinGen allele CA1939787.